The following is an entry in ClinVar:

NM_130839.5(UBE3A):c.1060A>G (p.Asn354Asp)

Genes: SNHG14 (small nucleolar RNA host gene 14; plus strand), UBE3A (ubiquitin protein ligase E3A; minus strand). Cytogenetic location: 15q11.2.
Variant type: single nucleotide variant.
Coding change: c.1060A>G on transcript NM_130839.5 (MANE Select); coding-DNA position 1060, A replaced by G.
Protein change: p.Asn354Asp; replaces asparagine 354 with aspartic acid.
Molecular consequence: missense variant. On other transcripts: non-coding transcript variant (1), intron variant (2).
Genome position (GRCh38, 1-based): chr15:25,371,114, T>C on the plus strand (A>G on the coding strand, the complement: UBE3A is on the minus strand). VCF-style: chr15-25371114-T-C. GRCh37 (hg19) VCF-style: chr15-25616261-T-C.
Other names: c.1069A>G, p.Asn357Asp (NM_000462.5); c.1060A>G, p.Asn354Asp (NM_001354505.1, NM_001354538.2, NM_001354545.2); c.1000A>G, p.Asn334Asp (NM_001354506.2, NM_001354507.2, NM_001354508.2 and 17 more transcripts); c.883A>G, p.Asn295Asp (NM_001354546.2); c.301+4351A>G (NM_001354551.2); c.361+4351A>G (NM_001354550.2); short protein forms N354D, N357D, N295D, N334D.
Identifiers: ClinVar variation 646776 (VCV000646776.7), dbSNP rs1595808009, ClinGen allele CA391354450.

ClinVar aggregate classification (germline): Uncertain significance (1 of 4 stars; one submission).

Conditions:
Angelman syndrome (AS). Also called: HAPPY PUPPET SYNDROME. Identifiers: Orphanet 72, MedGen C0162635, MONDO:0007113, OMIM 105830. Disease mechanism: loss of function. Inheritance: imprinting disorder, AS is caused by disruption of maternally imprinted UBE3A located within the 15q11.2-q13 Angelman syndrome/Prader-Willi syndrome (AS/PWS) region..

Allele frequency attached by ClinVar (database versions not stated): gnomAD exomes below 0.00001.
gnomAD v4.1: 1 of 1,614,170 alleles (0.000062%); highest among the groups gnomAD compares: Non-Finnish European, 0.000085%; no homozygotes.

Submission:

Labcorp Genetics (formerly Invitae), Labcorp
Classification: Uncertain significance for Angelman syndrome. Last evaluated: 2018-12-08. Review status: criteria provided, single submitter. Criteria: Invitae Variant Classification Sherloc (09022015). Collection method: clinical testing. Allele origin: germline.
Comment: This sequence change replaces asparagine with aspartic acid at codon 334 of the UBE3A protein (p.Asn334Asp). The asparagine residue is moderately conserved and there is a small physicochemical difference between asparagine and aspartic acid. This variant is not present in population databases (ExAC no frequency). This variant has not been reported in the literature in individuals with UBE3A-related conditions. Algorithms developed to predict the effect of missense changes on protein structure and function are either unavailable or do not agree on the potential impact of this missense change (SIFT: "Tolerated"; PolyPhen-2: "Benign"; Align-GVGD: "Class C0"). In summary, the available evidence is currently insufficient to determine the role of this variant in disease. Therefore, it has been classified as a Variant of Uncertain Significance.